The following is an entry in ClinVar:

NM_000051.4(ATM):c.3559C>T (p.Pro1187Ser)

Gene: ATM (ATM serine/threonine kinase; plus strand). Cytogenetic location: 11q22.3.
Variant type: single nucleotide variant.
Coding change: c.3559C>T on transcript NM_000051.4 (MANE Select); coding-DNA position 3559, C replaced by T.
Protein change: p.Pro1187Ser; replaces proline 1187 with serine.
Molecular consequence: missense variant.
Genome position (GRCh38, 1-based): chr11:108,281,151, C>T. VCF-style: chr11-108281151-C-T. GRCh37 (hg19) VCF-style: chr11-108151878-C-T.
Other names: c.3559C>T, p.Pro1187Ser (NM_001351834.2); short protein forms P1187S.
Identifiers: ClinVar variation 922156 (VCV000922156.21), dbSNP rs2082213794, ClinGen allele CA382520567.
Genomic context (GRCh38, chr11:108,281,151, plus strand): 5'-ATCTGCGAAAAACAGGCTTTGTTTGCCCTGTGTAAATCTGTGAAAGAGAATGGATTAGAA[C>T]CTCACCTTGTGAAAAAGGTATATATGGATGAGTATTTTATTAGAAGCTTCCTTAGGTCAC-3'
Protein context (NP_000042.3, residues 1177-1197): CKSVKENGLE[Pro1187Ser]HLVKKVLEKV

ClinVar aggregate classification (germline): Uncertain significance. Review status: criteria provided, multiple submitters, no conflicts (2 of 4 stars). 4 submissions from 4 submitters: Uncertain significance (3). 1 of the submissions does not count toward it. Last evaluated 2025-04-29.

Conditions:
Hereditary cancer-predisposing syndrome. Also called: Hereditary Cancer Syndrome; Hereditary neoplastic syndrome; Neoplastic Syndromes, Hereditary; Tumor predisposition. Identifiers: Orphanet 140162, MedGen C0027672, MeSH D009386, MONDO:0015356.
Ataxia-telangiectasia syndrome (AT). Also called: Ataxia-telangiectasia, complementation group E; LOUIS-BAR SYNDROME; Cerebello-oculocutaneous telangiectasia; Immunodeficiency with ataxia telangiectasia; Ataxia-telangiectasia, complementation group D; AT, COMPLEMENTATION GROUP C. Identifiers: Orphanet 100, MedGen C0004135, MONDO:0008840, OMIM 208900.

Allele frequency attached by ClinVar (database versions not stated): gnomAD exomes below 0.00001.
gnomAD v4.1: 3 of 1,613,816 alleles (0.00019%); highest among the groups gnomAD compares: Middle Eastern, 0.033%; no homozygotes.

Submissions (4):

Labcorp Genetics (formerly Invitae), Labcorp
Classification: Uncertain significance for Ataxia-telangiectasia syndrome. Last evaluated: 2025-04-29. Review status: criteria provided, single submitter. Criteria: Invitae Variant Classification Sherloc (09022015). Collection method: clinical testing. Allele origin: germline.
Comment: This sequence change replaces proline, which is neutral and non-polar, with serine, which is neutral and polar, at codon 1187 of the ATM protein (p.Pro1187Ser). This variant is not present in population databases (gnomAD no frequency). This variant has not been reported in the literature in individuals affected with ATM-related conditions. ClinVar contains an entry for this variant (Variation ID: 922156). Invitae Evidence Modeling of protein sequence and biophysical properties (such as structural, functional, and spatial information, amino acid conservation, physicochemical variation, residue mobility, and thermodynamic stability) indicates that this missense variant is not expected to disrupt ATM protein function with a negative predictive value of 95%. In summary, the available evidence is currently insufficient to determine the role of this variant in disease. Therefore, it has been classified as a Variant of Uncertain Significance.

Ambry Genetics
Classification: Uncertain significance for Hereditary cancer-predisposing syndrome. Last evaluated: 2024-06-19. Review status: criteria provided, single submitter. Criteria: Ambry Variant Classification Scheme 2023. Collection method: clinical testing. Allele origin: germline.
Comment: The p.P1187S variant (also known as c.3559C>T), located in coding exon 23 of the ATM gene, results from a C to T substitution at nucleotide position 3559. The proline at codon 1187 is replaced by serine, an amino acid with similar properties. This variant was observed in an individual with early onset-breast cancer amongst a cohort of 1781 non-Ashkenazi Jewish individuals undergoing BRCA1/2 gene testing based on a personal history of breast cancer (Tung N et al. Cancer, 2015 Jan;121:25-33). This amino acid position is not well conserved in available vertebrate species. In addition, this alteration is predicted to be tolerated by in silico analysis. Based on the available evidence, the clinical significance of this variant remains unclear.

Color Diagnostics, LLC DBA Color Health
Classification: Uncertain significance for Hereditary cancer-predisposing syndrome. Last evaluated: 2020-01-16. Review status: criteria provided, single submitter. Criteria: ACMG Guidelines, 2015. Collection method: clinical testing. Allele origin: germline.
Comment: This missense variant replaces proline with serine at codon 1187 of the ATM protein. Computational prediction suggests that this variant may not impact protein structure and function (internally defined REVEL score threshold <= 0.5, PMID: 27666373). Splice site prediction tools suggest that this variant may not impact RNA splicing. To our knowledge, functional studies have not been performed for this variant. This variant has not been reported in individuals affected with hereditary cancer in the literature. This variant has not been identified in the general population by the Genome Aggregation Database (gnomAD). The available evidence is insufficient to determine the role of this variant in disease conclusively. Therefore, this variant is classified as a Variant of Uncertain Significance.

Natera, Inc.
Classification: Uncertain significance for Ataxia-telangiectasia. Last evaluated: 2021-04-19. Review status: no assertion criteria provided. Collection method: clinical testing. Allele origin: germline. Not counted in ClinVar's aggregate classification.

Literature cited by the submitters: PubMed 25186627 (cited by Ambry Genetics).